The following is an entry in ClinVar:

ClinVar aggregate classification (germline): Pathogenic (1 of 4 stars; one submission).

Conditions:
Duchenne muscular dystrophy (DMD). Also called: MUSCULAR DYSTROPHY, PSEUDOHYPERTROPHIC PROGRESSIVE, DUCHENNE TYPE; Duchenne Muscular Dystrophy (DMD). Identifiers: Orphanet 98896, MedGen C0013264, MONDO:0010679, OMIM 310200.

Submission:

Labcorp Genetics (formerly Invitae), Labcorp
Classification: Pathogenic for Duchenne muscular dystrophy. Last evaluated: 2025-04-11. Review status: criteria provided, single submitter. Criteria: Invitae Variant Classification Sherloc (09022015). Collection method: clinical testing. Allele origin: germline.
Comment: This sequence change creates a premature translational stop signal (p.Glu1074Glyfs*10) in the DMD gene. It is expected to result in an absent or disrupted protein product. Loss-of-function variants in DMD are known to be pathogenic (PMID: 16770791, 25007885). This variant is not present in population databases (gnomAD no frequency). This variant has not been reported in the literature in individuals affected with DMD-related conditions. For these reasons, this variant has been classified as Pathogenic.

Literature cited by the submitters: PubMed 16770791; PubMed 25007885.

NM_004006.3(DMD):c.3221_3224del (p.Glu1074fs)

Gene: DMD (dystrophin; minus strand). Cytogenetic location: Xp21.1.
Variant type: Deletion.
Coding change: c.3221_3224del on transcript NM_004006.3 (MANE Select); coding-DNA positions 3221 to 3224, 4 bases deleted (AATG; older notation c.3221_3224delAATG).
Protein change: p.Glu1074fs; shifts the reading frame from glutamic acid 1074.
Molecular consequence: frameshift variant.
Genome position (GRCh38, 1-based): chrX:32,464,638-32,464,641, CATT deleted on the plus strand (AATG on the coding strand, the reverse complement: DMD is on the minus strand); deleting any 4 consecutive bases within chrX:32,464,638-32,464,642 gives the same sequence; the c. name uses the placement nearest the transcript's 3' end. VCF-style (leftmost placement, unchanged base first): chrX-32464637-CCATT-C. GRCh37 (hg19) VCF-style: chrX-32482754-CCATT-C.
Other names: c.3197_3200del, p.Glu1066fs (NM_000109.4); c.3209_3212del, p.Glu1070fs (NM_004009.3); c.2852_2855del, p.Glu951fs (NM_004010.3); short protein forms E1066fs, E1074fs, E1070fs, E951fs.
Identifiers: ClinVar variation 4717247 (VCV004717247.1).